The following is an entry in ClinVar:

NC_012920.1(MT-ND4L):m.10602A>G

Gene: MT-ND4L (mitochondrially encoded NADH dehydrogenase 4L; plus strand).
Variant type: single nucleotide variant.
Genome position: chrM-10602-A-G.
Identifiers: ClinVar variation 693301 (VCV000693301.1), dbSNP rs1603222913, ClinGen allele CA414806028.

ClinVar aggregate classification (germline): Uncertain significance (1 of 4 stars; one submission).

Conditions:
Leigh syndrome (NULS). Also called: Leigh's necrotizing encephalopathy; Leigh's disease; Leigh Syndrome (mtDNA deletion); Leigh Disease; Subacute necrotizing encephalopathy; Necrotizing encephalopathy infantile subacute of Leigh. Identifiers: Orphanet 506, MedGen C2931891, MONDO:0009723, OMIM 256000.

Submission:

Wong Mito Lab, Molecular and Human Genetics, Baylor College of Medicine
Classification: Uncertain significance for Leigh syndrome. Last evaluated: 2019-10-17. Review status: criteria provided, single submitter. Criteria: Modified ACMG Guidelines (Unpublished). Collection method: clinical testing. Allele origin: germline.
Comment: The NC_012920.1:m.10602A>G (YP_003024034.1:p.Thr45Ala) variant in MTND4L gene is interpretated to be a Uncertain Significance variant based on the modified ACMG guidelines (unpublished). This variant meets the following evidence codes: PP7, BP4